The following is an entry in ClinVar:

ClinVar aggregate classification (germline): Uncertain significance. Review status: criteria provided, multiple submitters, no conflicts (2 of 4 stars). 4 submissions from 4 submitters: Uncertain significance (4). Last evaluated 2026-09-17.

Conditions:
Nephronophthisis 15 (NPHP15). Identifiers: Orphanet 3156, MedGen C3541853, MONDO:0013917, OMIM 614845.
CEP164-related disorder. Also called: CEP164-related condition.
Inborn genetic diseases. Identifiers: MedGen C0950123, MeSH D030342.

Allele frequency attached by ClinVar (database versions not stated): ExAC 0.00002; gnomAD exomes 0.00002; TOPMed 0.00006; ESP Exome Variant Server 0.00008.

Submissions (4):

PreventionGenetics, part of Exact Sciences
Classification: Uncertain significance for CEP164-related condition. Last evaluated: 2026-09-17. Review status: criteria provided, single submitter. Criteria: ACMG Guidelines, 2015. Collection method: clinical testing. Allele origin: germline.
Comment: The CEP164 c.3482T>C variant is predicted to result in the amino acid substitution p.Met1161Thr. To our knowledge, this variant has not been reported in the literature. This variant is reported in 0.0065% of alleles in individuals of South Asian descent in gnomAD. At this time, the clinical significance of this variant is uncertain due to the absence of conclusive functional and genetic evidence.

Labcorp Genetics (formerly Invitae), Labcorp
Classification: Uncertain significance for Nephronophthisis 15. Last evaluated: 2024-10-15. Review status: criteria provided, single submitter. Criteria: Invitae Variant Classification Sherloc (09022015). Collection method: clinical testing. Allele origin: germline.
Comment: This sequence change replaces methionine, which is neutral and non-polar, with threonine, which is neutral and polar, at codon 1161 of the CEP164 protein (p.Met1161Thr). This variant is present in population databases (rs375136293, gnomAD 0.007%). This variant has not been reported in the literature in individuals affected with CEP164-related conditions. ClinVar contains an entry for this variant (Variation ID: 1425453). Invitae Evidence Modeling of protein sequence and biophysical properties (such as structural, functional, and spatial information, amino acid conservation, physicochemical variation, residue mobility, and thermodynamic stability) indicates that this missense variant is not expected to disrupt CEP164 protein function with a negative predictive value of 80%. In summary, the available evidence is currently insufficient to determine the role of this variant in disease. Therefore, it has been classified as a Variant of Uncertain Significance.

Blueprint Genetics
Classification: Uncertain significance. Last evaluated: 2024-10-11. Review status: criteria provided, single submitter. Criteria: ACMG Guidelines, 2015. Collection method: clinical testing. Allele origin: germline.

Ambry Genetics
Classification: Uncertain significance for Inborn genetic diseases. Last evaluated: 2024-01-23. Review status: criteria provided, single submitter. Criteria: Ambry Variant Classification Scheme 2023. Collection method: clinical testing. Allele origin: germline.

NM_014956.5(CEP164):c.3482T>C (p.Met1161Thr)

Gene: CEP164 (centrosomal protein 164; plus strand). Cytogenetic location: 11q23.3.
Variant type: single nucleotide variant.
Coding change: c.3482T>C on transcript NM_014956.5 (MANE Select); coding-DNA position 3482, T replaced by C.
Protein change: p.Met1161Thr; replaces methionine 1161 with threonine.
Molecular consequence: missense variant.
Genome position (GRCh38, 1-based): chr11:117,397,294, T>C. VCF-style: chr11-117397294-T-C. GRCh37 (hg19) VCF-style: chr11-117268010-T-C.
Other names: c.3491T>C, p.Met1164Thr (NM_001271933.2); c.3482T>C (NM_014956.4); short protein forms M1161T, M1164T.
Identifiers: ClinVar variation 1425453 (VCV001425453.8), dbSNP rs375136293, ClinGen allele CA6295458.